The following is an entry in ClinVar:

NM_002087.4(GRN):c.775_778del (p.Lys259fs)

Gene: GRN (granulin precursor; plus strand). Cytogenetic location: 17q21.31.
Variant type: Deletion.
Coding change: c.775_778del on transcript NM_002087.4 (MANE Select); coding-DNA positions 775 to 778, 4 bases deleted (AAGT; older notation c.775_778delAAGT).
Protein change: p.Lys259fs; shifts the reading frame from lysine 259.
Molecular consequence: frameshift variant.
Genome position (GRCh38, 1-based): chr17:44,351,103-44,351,106, AAGT deleted; deleting any 4 consecutive bases within chr17:44,351,100-44,351,106 gives the same sequence; the c. name uses the placement nearest the transcript's 3' end. VCF-style (leftmost placement, unchanged base first): chr17-44351099-GAGTA-G. GRCh37 (hg19) VCF-style: chr17-42428467-GAGTA-G.
Other names: short protein forms K259fs.
Identifiers: ClinVar variation 1457149 (VCV001457149.6), dbSNP rs2143337849, ClinGen allele CA2573153937.

ClinVar aggregate classification (germline): Pathogenic (1 of 4 stars; one submission).

Conditions:
Neuronal ceroid lipofuscinosis 11. Also called: GRN-Related Neuronal Ceroid-Lipofuscinosis. Identifiers: Orphanet 314629, Orphanet 79262, MedGen C3539123, MONDO:0013866, OMIM 614706.
GRN-related frontotemporal lobar degeneration with Tdp43 inclusions (FTD2). Also called: DEMENTIA, HEREDITARY DYSPHASIC DISINHIBITION; FRONTOTEMPORAL LOBAR DEGENERATION WITH UBIQUITIN-POSITIVE INCLUSIONS; FTLD-TDP, GRN-RELATED; GRN Frontotemporal Dementia; FRONTOTEMPORAL DEMENTIA WITH TDP43 INCLUSIONS, GRN-RELATED. Identifiers: Orphanet 100070, Orphanet 282, MedGen C1843792, MONDO:0011842, OMIM 607485. Disease mechanism: loss of function.

Submission:

Labcorp Genetics (formerly Invitae), Labcorp
Classification: Pathogenic for Neuronal ceroid lipofuscinosis 11; GRN-related frontotemporal lobar degeneration with Tdp43 inclusions. Last evaluated: 2021-10-03. Review status: criteria provided, single submitter. Criteria: Invitae Variant Classification Sherloc (09022015). Collection method: clinical testing. Allele origin: germline.
Comment: This premature translational stop signal has been observed in individual(s) with frontotemporal dementia (PMID: 27082848). For these reasons, this variant has been classified as Pathogenic. This variant is not present in population databases (ExAC no frequency). This sequence change creates a premature translational stop signal (p.Lys259Alafs*23) in the GRN gene. It is expected to result in an absent or disrupted protein product. Loss-of-function variants in GRN are known to be pathogenic (PMID: 16862116, 16950801, 22608501).

Literature cited by the submitters: PubMed 27082848; PubMed 16862116; PubMed 16950801; PubMed 22608501.